The following is an entry in ClinVar:

NM_004603.4(STX1A):c.62C>T (p.Ala21Val)

Gene: STX1A (syntaxin 1A; minus strand). Cytogenetic location: 7q11.23.
Variant type: single nucleotide variant.
Coding change: c.62C>T on transcript NM_004603.4 (MANE Select); coding-DNA position 62, C replaced by T.
Protein change: p.Ala21Val; replaces alanine 21 with valine.
Molecular consequence: missense variant.
Genome position (GRCh38, 1-based): chr7:73,709,091, G>A on the plus strand (C>T on the coding strand, the complement: STX1A is on the minus strand). VCF-style: chr7-73709091-G-A. GRCh37 (hg19) VCF-style: chr7-73123421-G-A.
Other names: c.62C>T, p.Ala21Val (NM_001165903.2); short protein forms A21V.
Identifiers: ClinVar variation 5041895 (VCV005041895.1).

ClinVar aggregate classification (germline): Likely benign (1 of 4 stars; one submission).

gnomAD v4.1: 51 of 1,613,990 alleles (0.0032%); highest among the groups gnomAD compares: South Asian, 0.056%; 1 homozygote.

Submission:

CeGaT Center for Human Genetics Tuebingen
Classification: Likely benign. Last evaluated: 2026-08-01. Review status: criteria provided, single submitter. Criteria: CeGaT Center For Human Genetics Tuebingen Variant Classification Criteria Version 2. Collection method: clinical testing. Allele origin: germline. Affected: yes. Observed: 1 variant allele.
Comment: STX1A: BP4